The following is an entry in ClinVar:

NM_080680.3(COL11A2):c.914C>T (p.Ser305Leu)

Gene: COL11A2 (collagen type XI alpha 2 chain; minus strand). Cytogenetic location: 6p21.32.
Variant type: single nucleotide variant.
Coding change: c.914C>T on transcript NM_080680.3 (MANE Select); coding-DNA position 914, C replaced by T.
Protein change: p.Ser305Leu; replaces serine 305 with leucine.
Molecular consequence: missense variant. On other transcripts: intron variant (1).
Genome position (GRCh38, 1-based): chr6:33,185,017, G>A on the plus strand (C>T on the coding strand, the complement: COL11A2 is on the minus strand). VCF-style: chr6-33185017-G-A. GRCh37 (hg19) VCF-style: chr6-33152794-G-A.
Other names: c.836C>T, p.Ser279Leu (NM_080681.3); c.798+1610C>T (NM_080679.3); short protein forms S279L, S305L.
Identifiers: ClinVar variation 1062232 (VCV001062232.10), dbSNP rs1049821607, ClinGen allele CA137053201.
Genomic context (GRCh38, chr6:33,185,017, plus strand): 5'-CCCCCAGATGGGGTGAGGGTGGGGCATAGAGTTACCTCCTCAAGGGGTGGCAAGAGGCTC[G>A]ACTCCAGGATTTCTTCCTCTTCACCTGGGGTGGGGTCCTGACCCCAAGGAGAGAAGGAGA-3'
Protein context (NP_542411.2, residues 295-315): TPGEEEEILE[Ser305Leu]SLLPPLEEEQ

ClinVar aggregate classification (germline): Conflicting classifications of pathogenicity. Review status: criteria provided, conflicting classifications (1 of 4 stars). 2 submissions from 2 submitters: Uncertain significance (1); Benign (1). Last evaluated 2025-06-25.

Allele frequency attached by ClinVar (database versions not stated): gnomAD exomes 0.00002.

Submissions (2):

GeneDx
Classification: Uncertain significance. Last evaluated: 2025-06-25. Review status: criteria provided, single submitter. Criteria: GeneDx Variant Classification Process June 2021. Collection method: clinical testing. Allele origin: germline. Affected: yes.
Comment: In silico analysis suggests that this missense variant does not alter protein structure/function; Has not been previously published as pathogenic or benign to our knowledge; Not observed at significant frequency in large population cohorts (gnomAD)

Labcorp Genetics (formerly Invitae), Labcorp
Classification: Benign. Last evaluated: 2025-05-17. Review status: criteria provided, single submitter. Criteria: Invitae Variant Classification Sherloc (09022015). Collection method: clinical testing. Allele origin: germline.